The following is an entry in ClinVar:

ClinVar aggregate classification (germline): Pathogenic (1 of 4 stars; one submission).

Conditions:
Hereditary cancer-predisposing syndrome. Also called: Neoplastic Syndromes, Hereditary; Tumor predisposition; Hereditary Cancer Syndrome; Hereditary neoplastic syndrome. Identifiers: Orphanet 140162, MedGen C0027672, MeSH D009386, MONDO:0015356.

Submission:

Ambry Genetics
Classification: Pathogenic for Hereditary cancer-predisposing syndrome. Last evaluated: 2026-03-26. Review status: criteria provided, single submitter. Criteria: Ambry Variant Classification Scheme 2023. Collection method: clinical testing. Allele origin: germline.
Comment: The c.1042delC pathogenic mutation, located in coding exon 9 of the POT1 gene, results from a deletion of one nucleotide at nucleotide position 1042, causing a translational frameshift with a predicted alternate stop codon (p.L348Yfs*5). This variant is considered to be rare based on population cohorts in the Genome Aggregation Database (gnomAD). This alteration is expected to result in loss of function by premature protein truncation or nonsense-mediated mRNA decay. As such, this alteration is interpreted as a disease-causing mutation.

NM_015450.3(POT1):c.1042del (p.Leu348fs)

Gene: POT1 (protection of telomeres 1; minus strand). Cytogenetic location: 7q31.33.
Variant type: Deletion.
Coding change: c.1042del on transcript NM_015450.3 (MANE Select); coding-DNA position 1042, one base deleted (C; older notation c.1042delC).
Protein change: p.Leu348fs; shifts the reading frame from leucine 348.
Molecular consequence: frameshift variant. On other transcripts: non-coding transcript variant (3).
Genome position (GRCh38, 1-based): chr7:124,842,928, G deleted on the plus strand (C on the coding strand, the reverse complement: POT1 is on the minus strand). VCF-style (leftmost placement, unchanged base first): chr7-124842927-AG-A. GRCh37 (hg19) VCF-style: chr7-124482981-AG-A.
Other names: c.649del, p.Leu217fs (NM_001042594.2); short protein forms L217fs, L348fs.
Identifiers: ClinVar variation 4862381 (VCV004862381.1).
Genomic context (GRCh38, chr7:124,842,927, plus strand): 5'-GACCTCAATTTTGCTCGGATGCGGTATTGTTGAGGAGCTTTTTGTTTCAAAATGGCACAT[AG>A]TGGTGTCCTCTCCAAATACTGATGATCTGTAAGTACTGTAAAGAATTTTTATATTCAATC-3'